The following is an entry in ClinVar:

ClinVar aggregate classification (germline): Uncertain significance (1 of 4 stars; one submission).

Conditions:
Neuronal ceroid lipofuscinosis. Also called: Neuronal Ceroid Lipofuscinoses. Identifiers: Orphanet 216, Orphanet 79263, MedGen C0027877, MONDO:0016295. Disease mechanism: loss of function.

Allele frequency attached by ClinVar (database versions not stated): gnomAD exomes below 0.00001.

Submission:

Labcorp Genetics (formerly Invitae), Labcorp
Classification: Uncertain significance for Neuronal ceroid lipofuscinosis. Last evaluated: 2022-05-18. Review status: criteria provided, single submitter. Criteria: Invitae Variant Classification Sherloc (09022015). Collection method: clinical testing. Allele origin: germline.
Comment: This sequence change replaces isoleucine, which is neutral and non-polar, with methionine, which is neutral and non-polar, at codon 92 of the CLN6 protein (p.Ile92Met). In summary, the available evidence is currently insufficient to determine the role of this variant in disease. Therefore, it has been classified as a Variant of Uncertain Significance. Algorithms developed to predict the effect of missense changes on protein structure and function are either unavailable or do not agree on the potential impact of this missense change (SIFT: "Deleterious"; PolyPhen-2: "Possibly Damaging"; Align-GVGD: "Class C0"). This variant has not been reported in the literature in individuals affected with CLN6-related conditions. This variant is not present in population databases (gnomAD no frequency).

NM_017882.3(CLN6):c.276C>G (p.Ile92Met)

Gene: CLN6 (CLN6 transmembrane ER protein; minus strand). Cytogenetic location: 15q23.
Variant type: single nucleotide variant.
Coding change: c.276C>G on transcript NM_017882.3 (MANE Select); coding-DNA position 276, C replaced by G.
Protein change: p.Ile92Met; replaces isoleucine 92 with methionine.
Molecular consequence: missense variant.
Genome position (GRCh38, 1-based): chr15:68,214,311, G>C on the plus strand (C>G on the coding strand, the complement: CLN6 is on the minus strand). VCF-style: chr15-68214311-G-C. GRCh37 (hg19) VCF-style: chr15-68506649-G-C.
Other names: c.372C>G, p.Ile124Met (NM_001411068.1); short protein forms I124M, I92M.
Identifiers: ClinVar variation 2089256 (VCV002089256.4), dbSNP rs2505414755, ClinGen allele CA392974352.